The following is an entry in ClinVar:

ClinVar aggregate classification (germline): Uncertain significance (1 of 4 stars; one submission).

Conditions:
Developmental and epileptic encephalopathy, 36 (DEE36). Also called: ALG13-CDG; Congenital disorder of glycosylation, type Is; Epileptic encephalopathy, early infantile, 36. Identifiers: Orphanet 324422, MedGen C4317295, MONDO:0010472, OMIM 300884.

Submission:

Labcorp Genetics (formerly Invitae), Labcorp
Classification: Uncertain significance for Developmental and epileptic encephalopathy, 36. Last evaluated: 2023-10-22. Review status: criteria provided, single submitter. Criteria: Invitae Variant Classification Sherloc (09022015). Collection method: clinical testing. Allele origin: germline.
Comment: This sequence change replaces proline, which is neutral and non-polar, with arginine, which is basic and polar, at codon 1073 of the ALG13 protein (p.Pro1073Arg). This variant is present in population databases (no rsID available, gnomAD 0.005%), including at least one homozygous and/or hemizygous individual. This missense change has been observed in individual(s) with clinical features of ALG13-related conditions (PMID: 28397838). An algorithm developed to predict the effect of missense changes on protein structure and function (PolyPhen-2) suggests that this variant is likely to be disruptive. In summary, the available evidence is currently insufficient to determine the role of this variant in disease. Therefore, it has been classified as a Variant of Uncertain Significance.

Literature cited by the submitters: PubMed 28397838.

NM_001099922.3(ALG13):c.3218C>G (p.Pro1073Arg)

Gene: ALG13 (ALG13 UDP-N-acetylglucosaminyltransferase subunit; plus strand). Cytogenetic location: Xq23.
Variant type: single nucleotide variant.
Coding change: c.3218C>G on transcript NM_001099922.3 (MANE Select); coding-DNA position 3218, C replaced by G.
Protein change: p.Pro1073Arg; replaces proline 1073 with arginine.
Molecular consequence: missense variant. On other transcripts: non-coding transcript variant (1).
Genome position (GRCh38, 1-based): chrX:111,759,803, C>G. VCF-style: chrX-111759803-C-G. GRCh37 (hg19) VCF-style: chrX-111003031-C-G.
Other names: c.2669C>G, p.Pro890Arg (NM_001257230.2, NM_001257234.2, NM_001257237.2); c.2984C>G, p.Pro995Arg (NM_001257231.2); c.2981C>G, p.Pro994Arg (NM_001324292.2); c.2495C>G, p.Pro832Arg (NM_001324293.1); short protein forms P1073R, P890R, P995R, P994R, P832R.
Identifiers: ClinVar variation 2724094 (VCV002724094.3), dbSNP rs1279730165, ClinGen allele CA414293202.